The following is an entry in ClinVar:

NM_001384317.1(ZHX3):c.811T>C (p.Phe271Leu)

Gene: ZHX3 (zinc fingers and homeoboxes 3; minus strand). Cytogenetic location: 20q12.
Variant type: single nucleotide variant.
Coding change: c.811T>C on transcript NM_001384317.1 (MANE Select); coding-DNA position 811, T replaced by C.
Protein change: p.Phe271Leu; replaces phenylalanine 271 with leucine.
Molecular consequence: missense variant.
Genome position (GRCh38, 1-based): chr20:41,204,106, A>G on the plus strand (T>C on the coding strand, the complement: ZHX3 is on the minus strand). VCF-style: chr20-41204106-A-G. GRCh37 (hg19) VCF-style: chr20-39832746-A-G.
Other names: c.811T>C, p.Phe271Leu (NM_001384324.1, NM_001384325.1, NM_015035.4 and 8 more transcripts); short protein forms F271L.
Identifiers: ClinVar variation 2913669 (VCV002913669.3), dbSNP rs766970650, ClinGen allele CA9860053.

ClinVar aggregate classification (germline): Uncertain significance (1 of 4 stars; one submission).

Allele frequency attached by ClinVar (database versions not stated): TOPMed below 0.00001; ExAC 0.00001; gnomAD exomes 0.00001.

Submission:

Labcorp Genetics (formerly Invitae), Labcorp
Classification: Uncertain significance. Last evaluated: 2023-01-29. Review status: criteria provided, single submitter. Criteria: Invitae Variant Classification Sherloc (09022015). Collection method: clinical testing. Allele origin: germline.
Comment: Algorithms developed to predict the effect of missense changes on protein structure and function output the following: SIFT: "Tolerated"; PolyPhen-2: "Benign"; Align-GVGD: "Class C0". The leucine amino acid residue is found in multiple mammalian species, which suggests that this missense change does not adversely affect protein function. This variant has not been reported in the literature in individuals affected with ZHX3-related conditions. This variant is present in population databases (rs766970650, gnomAD 0.002%). This sequence change replaces phenylalanine, which is neutral and non-polar, with leucine, which is neutral and non-polar, at codon 271 of the ZHX3 protein (p.Phe271Leu). In summary, the available evidence is currently insufficient to determine the role of this variant in disease. Therefore, it has been classified as a Variant of Uncertain Significance.